The following is an entry in ClinVar:

NM_018723.4(RBFOX1):c.833C>T (p.Thr278Ile)

Gene: RBFOX1 (RNA binding fox-1 homolog 1; plus strand). Cytogenetic location: 16p13.3.
Variant type: single nucleotide variant.
Coding change: c.833C>T on transcript NM_018723.4 (MANE Select); coding-DNA position 833, C replaced by T.
Protein change: p.Thr278Ile; replaces threonine 278 with isoleucine.
Molecular consequence: missense variant.
Genome position (GRCh38, 1-based): chr16:7,653,890, C>T. VCF-style: chr16-7653890-C-T. GRCh37 (hg19) VCF-style: chr16-7703892-C-T.
Other names: c.752C>T, p.Thr251Ile (NM_001142333.2); c.833C>T, p.Thr278Ile (NM_001142334.2, NM_001364800.2); c.962C>T, p.Thr321Ile (NM_001308117.1); c.893C>T, p.Thr298Ile (NM_145891.3, NM_145892.3, NM_145893.3); short protein forms T251I, T298I, T321I, T278I.
Identifiers: ClinVar variation 963674 (VCV000963674.10), dbSNP rs2065679298, ClinGen allele CA394683638.

ClinVar aggregate classification (germline): Uncertain significance (1 of 4 stars; one submission).

Conditions:
Idiopathic generalized epilepsy. Also called: Generalised epilepsy; EIG. Identifiers: MedGen C0270850, MONDO:0005579, OMIM 600669.

Submission:

Labcorp Genetics (formerly Invitae), Labcorp
Classification: Uncertain significance for Idiopathic generalized epilepsy. Last evaluated: 2019-09-10. Review status: criteria provided, single submitter. Criteria: Invitae Variant Classification Sherloc (09022015). Collection method: clinical testing. Allele origin: germline.
Comment: In summary, the available evidence is currently insufficient to determine the role of this variant in disease. Therefore, it has been classified as a Variant of Uncertain Significance. Algorithms developed to predict the effect of missense changes on protein structure and function are either unavailable or do not agree on the potential impact of this missense change (SIFT: "Deleterious"; PolyPhen-2: "Benign"; Align-GVGD: "Class C0"). This variant has not been reported in the literature in individuals with RBFOX1-related conditions. This variant is not present in population databases (ExAC no frequency). This sequence change replaces threonine with isoleucine at codon 298 of the RBFOX1 protein (p.Thr298Ile). The threonine residue is moderately conserved and there is a moderate physicochemical difference between threonine and isoleucine.